The following is an entry in ClinVar:

NM_000465.4(BARD1):c.1903+3A>C

Gene: BARD1 (BRCA1 associated RING domain 1; minus strand). Cytogenetic location: 2q35.
Variant type: single nucleotide variant.
Coding change: c.1903+3A>C on transcript NM_000465.4 (MANE Select); 3 bases into the intron after coding-DNA position 1903, A replaced by C.
Molecular consequence: intron variant.
Genome position (GRCh38, 1-based): chr2:214,745,064, T>G on the plus strand (A>C on the coding strand, the complement: BARD1 is on the minus strand). VCF-style: chr2-214745064-T-G. GRCh37 (hg19) VCF-style: chr2-215609788-T-G.
Other names: c.493+3A>C (NM_001282548.2); c.1846+3A>C (NM_001282543.2); c.550+3A>C (NM_001282545.2); c.365-14556A>C (NM_001282549.2).
Identifiers: ClinVar variation 1321038 (VCV001321038.2), dbSNP rs2106018616, ClinGen allele CA2573051856.
Genomic context (GRCh38, chr2:214,745,064, plus strand): 5'-AATAACCATGAAAAACAAAACTAGTCTAATTCATTTCTTAATTCTCTCAAATCCAACACT[T>G]ACATTCAAATTTTAGAATCCAGCATCCATTGAGAATCCCAAGCATACACTTCAAGGTACT-3'

ClinVar aggregate classification (germline): Uncertain significance (1 of 4 stars; one submission).

Submission:

GeneDx
Classification: Uncertain significance. Last evaluated: 2019-08-12. Review status: criteria provided, single submitter. Criteria: GeneDx Variant Classification Process June 2021. Collection method: clinical testing. Allele origin: germline. Affected: yes.
Comment: Not observed in large population cohorts (Lek et al., 2016); In silico analysis, which includes splice predictors and evolutionary conservation, supports a deleterious effect; Has not been previously published as pathogenic or benign to our knowledge